The following is an entry in ClinVar:

NM_032242.4(PLXNA1):c.1701T>G (p.Thr567=)

Gene: PLXNA1 (plexin A1; plus strand). Cytogenetic location: 3q21.3.
Variant type: single nucleotide variant.
Coding change: c.1701T>G on transcript NM_032242.4 (MANE Select); coding-DNA position 1701, T replaced by G.
Protein change: p.Thr567=; no amino-acid change (threonine 567 retained).
Molecular consequence: synonymous variant.
Genome position (GRCh38, 1-based): chr3:127,004,966, T>G. VCF-style: chr3-127004966-T-G. GRCh37 (hg19) VCF-style: chr3-126723809-T-G.
Identifiers: ClinVar variation 3057087 (VCV003057087.2), dbSNP rs1428226277, ClinGen allele CA435759962.

ClinVar aggregate classification (germline): Likely benign (0 of 4 stars; one submission).

Conditions:
PLXNA1-related disorder. Also called: PLXNA1-related condition.

Allele frequency attached by ClinVar (database versions not stated): gnomAD exomes below 0.00001; gnomAD 0.00001; TOPMed 0.00001.
gnomAD v4.1: 7 of 1,610,280 alleles (0.00043%); highest among the groups gnomAD compares: Admixed American, 0.01%; no homozygotes.

Submission:

PreventionGenetics, part of Exact Sciences
Classification: Likely benign for PLXNA1-related condition. Last evaluated: 2024-01-29. Review status: no assertion criteria provided. Collection method: clinical testing. Allele origin: germline.
Comment: This variant is classified as likely benign based on ACMG/AMP sequence variant interpretation guidelines (Richards et al. 2015 PMID: 25741868, with internal and published modifications).